The following is an entry in ClinVar:

ClinVar aggregate classification (germline): Conflicting classifications of pathogenicity. Review status: criteria provided, conflicting classifications (1 of 4 stars). 2 submissions from 2 submitters: Uncertain significance (1); Likely benign (1). Last evaluated 2026-02-25.

Conditions:
RERE-related disorder. Also called: RERE-related condition; RERE-Related Disorders. Identifiers: MedGen CN381537.

Allele frequency attached by ClinVar (database versions not stated): gnomAD exomes 0.00005 and 0.00022; ExAC 0.00007; TOPMed 0.00007; ESP Exome Variant Server 0.00008; gnomAD 0.00009 and 0.00010; 1000 Genomes Project 30x 0.00016; 1000 Genomes Project 0.00020.
gnomAD v4.1: 326 of 1,612,006 alleles (0.02%); highest among the groups gnomAD compares: Non-Finnish European, 0.026%; no homozygotes.

Submissions (2):

PreventionGenetics, part of Exact Sciences
Classification: Likely benign for RERE-related condition. Last evaluated: 2026-02-25. Review status: criteria provided, single submitter. Criteria: ACMG Guidelines, 2015. Collection method: clinical testing. Allele origin: germline.
Comment: This variant is classified as likely benign based on ACMG/AMP sequence variant interpretation guidelines (Richards et al. 2015 PMID: 25741868, with internal and published modifications).

Labcorp Genetics (formerly Invitae), Labcorp
Classification: Uncertain significance. Last evaluated: 2022-02-21. Review status: criteria provided, single submitter. Criteria: Invitae Variant Classification Sherloc (09022015). Collection method: clinical testing. Allele origin: germline.
Comment: This sequence change replaces threonine, which is neutral and polar, with methionine, which is neutral and non-polar, at codon 671 of the RERE protein (p.Thr671Met). This variant is present in population databases (rs199916044, gnomAD 0.009%). This variant has not been reported in the literature in individuals affected with RERE-related conditions. Algorithms developed to predict the effect of missense changes on protein structure and function are either unavailable or do not agree on the potential impact of this missense change (SIFT: "Tolerated"; PolyPhen-2: "Probably Damaging"; Align-GVGD: "Class C0"). In summary, the available evidence is currently insufficient to determine the role of this variant in disease. Therefore, it has been classified as a Variant of Uncertain Significance.

NM_001042681.2(RERE):c.2012C>T (p.Thr671Met)

Gene: RERE (arginine-glutamic acid dipeptide repeats; minus strand). Cytogenetic location: 1p36.23.
Variant type: single nucleotide variant.
Coding change: c.2012C>T on transcript NM_001042681.2 (MANE Select); coding-DNA position 2012, C replaced by T.
Protein change: p.Thr671Met; replaces threonine 671 with methionine.
Molecular consequence: missense variant.
Genome position (GRCh38, 1-based): chr1:8,361,767, G>A on the plus strand (C>T on the coding strand, the complement: RERE is on the minus strand). VCF-style: chr1-8361767-G-A. GRCh37 (hg19) VCF-style: chr1-8421827-G-A.
Other names: c.2012C>T (NM_012102.3); c.350C>T, p.Thr117Met (NM_001042682.2); c.2012C>T, p.Thr671Met (NM_012102.4); short protein forms T671M, T117M.
Identifiers: ClinVar variation 1423473 (VCV001423473.4), dbSNP rs199916044, ClinGen allele CA571483.
Genomic context (GRCh38, chr1:8,361,767, plus strand): 5'-GGGGGCTTCTGAAGAAGCATTAGCTTTACTCAGCAAGGCTCAGCAGCAAACCTCACCTGC[G>A]TTTTTGTCTTCTTGGAGCTGGTCCTGTCAGCCTCCTCCGTATCAGAGGCCACCTTCTCCC-3'
Protein context (NP_001036146.1, residues 661-681): ADRTSSKKTK[Thr671Met]QEISRPNSPS